The following is an entry in ClinVar:

ClinVar aggregate classification (germline): Conflicting classifications of pathogenicity. Review status: criteria provided, conflicting classifications (1 of 4 stars). 2 submissions from 2 submitters: Uncertain significance (1); Likely benign (1). Last evaluated 2026-06-22.

Conditions:
Tuberous sclerosis 1 (TSC1). Identifiers: Orphanet 805, MedGen C1854465, MONDO:0008612, OMIM 191100.
Hereditary cancer-predisposing syndrome. Also called: Hereditary Cancer Syndrome; Hereditary neoplastic syndrome; Neoplastic Syndromes, Hereditary; Tumor predisposition. Identifiers: Orphanet 140162, MedGen C0027672, MeSH D009386, MONDO:0015356.

Allele frequency attached by ClinVar (database versions not stated): gnomAD exomes below 0.00001.
gnomAD v4.1: 1 of 1,613,622 alleles (0.000062%); highest among the groups gnomAD compares: Non-Finnish European, 0.000085%; no homozygotes.

Submissions (2):

Ambry Genetics
Classification: Likely benign for Hereditary cancer-predisposing syndrome. Last evaluated: 2026-06-22. Review status: criteria provided, single submitter. Criteria: Ambry Variant Classification Scheme 2023. Collection method: clinical testing. Allele origin: germline.

Labcorp Genetics (formerly Invitae), Labcorp
Classification: Uncertain significance for Tuberous sclerosis 1. Last evaluated: 2023-02-09. Review status: criteria provided, single submitter. Criteria: Invitae Variant Classification Sherloc (09022015). Collection method: clinical testing. Allele origin: germline.
Comment: This sequence change replaces arginine, which is basic and polar, with lysine, which is basic and polar, at codon 424 of the TSC1 protein (p.Arg424Lys). This variant is not present in population databases (gnomAD no frequency). This variant has not been reported in the literature in individuals affected with TSC1-related conditions. Advanced modeling of protein sequence and biophysical properties (such as structural, functional, and spatial information, amino acid conservation, physicochemical variation, residue mobility, and thermodynamic stability) performed at Invitae indicates that this missense variant is not expected to disrupt TSC1 protein function. In summary, the available evidence is currently insufficient to determine the role of this variant in disease. Therefore, it has been classified as a Variant of Uncertain Significance.

NM_000368.5(TSC1):c.1271G>A (p.Arg424Lys)

Gene: TSC1 (TSC complex subunit 1; minus strand). Cytogenetic location: 9q34.13.
Variant type: single nucleotide variant.
Coding change: c.1271G>A on transcript NM_000368.5 (MANE Select); coding-DNA position 1271, G replaced by A.
Protein change: p.Arg424Lys; replaces arginine 424 with lysine.
Molecular consequence: missense variant. On other transcripts: non-coding transcript variant (5).
Genome position (GRCh38, 1-based): chr9:132,907,363, C>T on the plus strand (G>A on the coding strand, the complement: TSC1 is on the minus strand). VCF-style: chr9-132907363-C-T. GRCh37 (hg19) VCF-style: chr9-135782750-C-T.
Other names: c.1268G>A, p.Arg423Lys (NM_001162426.2, NM_001406597.1, NM_001406608.1 and 6 more transcripts); c.1118G>A, p.Arg373Lys (NM_001162427.2, NM_001406610.1); c.908G>A, p.Arg303Lys (NM_001362177.2, NM_001406614.1, NM_001406615.1 and 5 more transcripts); c.1271G>A, p.Arg424Lys (NM_001406592.1, NM_001406593.1, NM_001406594.1 and 7 more transcripts); c.1115G>A, p.Arg372Lys (NM_001406611.1, NM_001406612.1, NM_001406613.1); c.317G>A, p.Arg106Lys (NM_001406627.1, NM_001406628.1); c.218G>A, p.Arg73Lys (NM_001406629.1, NM_001406630.1); c.905G>A, p.Arg302Lys (NM_001406620.1, NM_001406621.1, NM_001406622.1 and 2 more transcripts); and 1 more; short protein forms R372K, R423K, R424K, R106K, R302K, R107K, R303K, R373K.
Identifiers: ClinVar variation 2895483 (VCV002895483.5), dbSNP rs2131882798, ClinGen allele CA375366213.
Genomic context (GRCh38, chr9:132,907,363, plus strand): 5'-GATCCTCTGTCATTCAGAAGATGGTGTTGTCTGTGTAGACATGGTCTTGCAGAATCCATT[C>T]TCTCTTCCTGAAAAGATAAGTATCATTTATATCACAAGACGAAAAATGTTGCACATGTTC-3'
Protein context (NP_000359.1, residues 414-434): ATVTPPRKEE[Arg424Lys]MDSARPCLHR